The following is an entry in ClinVar:

NM_000918.4(P4HB):c.98A>G (p.Asn33Ser)

Gene: P4HB (prolyl 4-hydroxylase subunit beta; minus strand). Cytogenetic location: 17q25.3.
Variant type: single nucleotide variant.
Coding change: c.98A>G on transcript NM_000918.4 (MANE Select); coding-DNA position 98, A replaced by G.
Protein change: p.Asn33Ser; replaces asparagine 33 with serine.
Molecular consequence: missense variant.
Genome position (GRCh38, 1-based): chr17:81,860,374, T>C on the plus strand (A>G on the coding strand, the complement: P4HB is on the minus strand). VCF-style: chr17-81860374-T-C. GRCh37 (hg19) VCF-style: chr17-79818250-T-C.
Other names: short protein forms N33S.
Identifiers: ClinVar variation 2008375 (VCV002008375.4), dbSNP rs1045975760, ClinGen allele CA401518551.

ClinVar aggregate classification (germline): Uncertain significance (1 of 4 stars; one submission).

gnomAD v4.1: 2 of 1,473,646 alleles (0.00014%); highest among the groups gnomAD compares: Non-Finnish European, 0.00018%; no homozygotes.

Submission:

Labcorp Genetics (formerly Invitae), Labcorp
Classification: Uncertain significance. Last evaluated: 2022-06-19. Review status: criteria provided, single submitter. Criteria: Invitae Variant Classification Sherloc (09022015). Collection method: clinical testing. Allele origin: germline.
Comment: This sequence change replaces asparagine, which is neutral and polar, with serine, which is neutral and polar, at codon 33 of the P4HB protein (p.Asn33Ser). This variant is not present in population databases (gnomAD no frequency). This variant has not been reported in the literature in individuals affected with P4HB-related conditions. Algorithms developed to predict the effect of missense changes on protein structure and function (SIFT, PolyPhen-2, Align-GVGD) all suggest that this variant is likely to be tolerated. In summary, the available evidence is currently insufficient to determine the role of this variant in disease. Therefore, it has been classified as a Variant of Uncertain Significance.